The following is an entry in ClinVar:

ClinVar aggregate classification (germline): Uncertain significance. Review status: criteria provided, multiple submitters, no conflicts (2 of 4 stars). 4 submissions from 4 submitters: Uncertain significance (4). Last evaluated 2025-09-30.

Conditions:
Inborn genetic diseases. Identifiers: MedGen C0950123, MeSH D030342.

Allele frequency attached by ClinVar (database versions not stated): ExAC 0.00001; gnomAD 0.00001; gnomAD exomes 0.00002.
gnomAD v4.1: 22 of 1,612,978 alleles (0.0014%); highest among the groups gnomAD compares: South Asian, 0.012%; no homozygotes.

Submissions (4):

Mayo Clinic Laboratories, Mayo Clinic
Classification: Uncertain significance. Last evaluated: 2025-09-30. Review status: criteria provided, single submitter. Criteria: ACMG Guidelines, 2015. Collection method: clinical testing. Allele origin: germline. Observed: 1 variant allele.
Comment: PM2_supporting

Labcorp Genetics (formerly Invitae), Labcorp
Classification: Uncertain significance. Last evaluated: 2025-04-27. Review status: criteria provided, single submitter. Criteria: Invitae Variant Classification Sherloc (09022015). Collection method: clinical testing. Allele origin: germline.
Comment: This sequence change replaces glutamic acid, which is acidic and polar, with glycine, which is neutral and non-polar, at codon 602 of the ANKRD26 protein (p.Glu602Gly). This variant is present in population databases (rs778626619, gnomAD 0.01%). This variant has not been reported in the literature in individuals affected with ANKRD26-related conditions. ClinVar contains an entry for this variant (Variation ID: 2884682). An algorithm developed to predict the effect of missense changes on protein structure and function outputs the following: PolyPhen-2: "Benign". The glycine amino acid residue is found in multiple mammalian species, which suggests that this missense change does not adversely affect protein function. In summary, the available evidence is currently insufficient to determine the role of this variant in disease. Therefore, it has been classified as a Variant of Uncertain Significance.

GeneDx
Classification: Uncertain significance. Last evaluated: 2025-01-22. Review status: criteria provided, single submitter. Criteria: GeneDx Variant Classification Process June 2021. Collection method: clinical testing. Allele origin: germline. Affected: yes.
Comment: Not observed at significant frequency in large population cohorts (gnomAD); In silico analysis indicates that this missense variant does not alter protein structure/function; In silico analysis suggests this variant may impact gene splicing. In the absence of RNA/functional studies, the actual effect of this sequence change is unknown; Has not been previously published as pathogenic or benign to our knowledge

Ambry Genetics
Classification: Uncertain significance for Inborn genetic diseases. Last evaluated: 2024-12-01. Review status: criteria provided, single submitter. Criteria: Ambry Variant Classification Scheme 2023. Collection method: clinical testing. Allele origin: germline.
Comment: The p.E602G variant (also known as c.1805A>G), located in coding exon 17 of the ANKRD26 gene, results from an A to G substitution at nucleotide position 1805. The glutamic acid at codon 602 is replaced by glycine, an amino acid with similar properties. This amino acid position is conserved. In addition, this alteration is predicted to be tolerated by in silico analysis. Based on the available evidence, the clinical significance of this variant remains unclear.

NM_014915.3(ANKRD26):c.1805A>G (p.Glu602Gly)

Gene: ANKRD26 (ankyrin repeat domain 26; minus strand). Cytogenetic location: 10p12.1.
Variant type: single nucleotide variant.
Coding change: c.1805A>G on transcript NM_014915.3 (MANE Select); coding-DNA position 1805, A replaced by G.
Protein change: p.Glu602Gly; replaces glutamic acid 602 with glycine.
Molecular consequence: missense variant.
Genome position (GRCh38, 1-based): chr10:27,048,810, T>C on the plus strand (A>G on the coding strand, the complement: ANKRD26 is on the minus strand). VCF-style: chr10-27048810-T-C. GRCh37 (hg19) VCF-style: chr10-27337739-T-C.
Other names: p.Glu602Gly; c.1805A>G, p.Glu602Gly (NM_001256053.2); short protein forms E602G.
Identifiers: ClinVar variation 2884682 (VCV002884682.6), dbSNP rs778626619, ClinGen allele CA5448408.